The following is an entry in ClinVar:

ClinVar aggregate classification (germline): Likely benign. Review status: criteria provided, multiple submitters, no conflicts (2 of 4 stars). 2 submissions from 2 submitters: Likely benign (2). Last evaluated 2025-08-01.

gnomAD v4.1: 19 of 1,613,060 alleles (0.0012%); highest among the groups gnomAD compares: East Asian, 0.0089%; no homozygotes.

Submissions (2):

CeGaT Center for Human Genetics Tuebingen
Classification: Likely benign. Last evaluated: 2025-08-01. Review status: criteria provided, single submitter. Criteria: CeGaT Center For Human Genetics Tuebingen Variant Classification Criteria Version 2. Collection method: clinical testing. Allele origin: germline. Affected: yes. Observed: 1 variant allele.
Comment: PDGFRB: BP4, BP7

Blueprint Genetics
Classification: Likely benign. Last evaluated: 2021-12-15. Review status: criteria provided, single submitter. Criteria: ACMG Guidelines, 2015. Collection method: clinical testing. Allele origin: germline.

NM_002609.4(PDGFRB):c.1107G>A (p.Thr369=)

Gene: PDGFRB (platelet derived growth factor receptor beta; minus strand). Cytogenetic location: 5q32.
Variant type: single nucleotide variant.
Coding change: c.1107G>A on transcript NM_002609.4 (MANE Select); coding-DNA position 1107, G replaced by A.
Protein change: p.Thr369=; no amino-acid change (threonine 369 retained).
Molecular consequence: synonymous variant.
Genome position (GRCh38, 1-based): chr5:150,132,770, C>T on the plus strand (G>A on the coding strand, the complement: PDGFRB is on the minus strand). VCF-style: chr5-150132770-C-T. GRCh37 (hg19) VCF-style: chr5-149512333-C-T.
Other names: c.915G>A, p.Thr305= (NM_001355016.2); c.624G>A, p.Thr208= (NM_001355017.2).
Identifiers: ClinVar variation 4084237 (VCV004084237.9).